The following is an entry in ClinVar:

NM_030962.4(SBF2):c.4960A>C (p.Asn1654His)

Genes: SBF2-AS1 (SBF2 antisense RNA 1; plus strand), SBF2 (SET binding factor 2; minus strand), LOC105369149 (uncharacterized LOC105369149; plus strand). Cytogenetic location: 11p15.4.
Variant type: single nucleotide variant.
Coding change: c.4960A>C on transcript NM_030962.4 (MANE Select); coding-DNA position 4960, A replaced by C.
Protein change: p.Asn1654His; replaces asparagine 1654 with histidine.
Molecular consequence: missense variant.
Genome position (GRCh38, 1-based): chr11:9,787,711, T>G on the plus strand (A>C on the coding strand, the complement: SBF2 is on the minus strand). VCF-style: chr11-9787711-T-G. GRCh37 (hg19) VCF-style: chr11-9809258-T-G.
Other names: c.5056A>C, p.Asn1686His (NM_001386339.1); c.4831A>C, p.Asn1611His (NM_001386342.1); short protein forms N1654H, N1611H, N1686H.
Identifiers: ClinVar variation 569320 (VCV000569320.7), dbSNP rs927212697, ClinGen allele CA217607532.
Genomic context (GRCh38, chr11:9,787,711, plus strand): 5'-CTTCTTTAAGGTCCACGGTTACCCTTTCCCACAGCTGCTGCCACTTCTCAGGGGCTTGGT[T>G]CAATTTGTGCTCCAATTTTTCAATTTCCTGCAAAGAAATTAAAAGTTTTCTGATCAGTAT-3'
Protein context (NP_112224.1, residues 1644-1664): SEIEKLEHKL[Asn1654His]QAPEKWQQLW

ClinVar aggregate classification (germline): Uncertain significance. Review status: criteria provided, multiple submitters, no conflicts (2 of 4 stars). 3 submissions from 3 submitters: Uncertain significance (3). Last evaluated 2025-11-05.

Conditions:
Inborn genetic diseases. Identifiers: MedGen C0950123, MeSH D030342.
SBF2-related disorder. Also called: SBF2-related condition.
Charcot-Marie-Tooth disease type 4. Also called: Charcot-Marie-Tooth disease, type IV; Charcot-Marie-Tooth, Type 4. Identifiers: Orphanet 64749, MedGen C4082197, MONDO:0018995.

Allele frequency attached by ClinVar (database versions not stated): gnomAD exomes 0.00001 and 0.00005; gnomAD 0.00002; TOPMed 0.00003.
gnomAD v4.1: 77 of 1,614,080 alleles (0.0048%); highest among the groups gnomAD compares: Non-Finnish European, 0.0064%; no homozygotes.

Submissions (3):

PreventionGenetics, part of Exact Sciences
Classification: Uncertain significance for SBF2-related condition. Last evaluated: 2025-11-05. Review status: criteria provided, single submitter. Criteria: ACMG Guidelines, 2015. Collection method: clinical testing. Allele origin: germline.
Comment: The SBF2 c.4960A>C variant is predicted to result in the amino acid substitution p.Asn1654His. To our knowledge, this variant has not been reported in the literature. This variant is reported in 0.0026% of alleles in individuals of European (non-Finnish) descent in gnomAD. At this time, the clinical significance of this variant is uncertain due to the absence of conclusive functional and genetic evidence.

Ambry Genetics
Classification: Uncertain significance for Inborn genetic diseases. Last evaluated: 2022-06-17. Review status: criteria provided, single submitter. Criteria: Ambry Variant Classification Scheme 2023. Collection method: clinical testing. Allele origin: germline.
Comment: The p.N1654H variant (also known as c.4960A>C), located in coding exon 36 of the SBF2 gene, results from an A to C substitution at nucleotide position 4960. The asparagine at codon 1654 is replaced by histidine, an amino acid with similar properties. This amino acid position is well conserved in available vertebrate species. In addition, this alteration is predicted to be tolerated by in silico analysis. Since supporting evidence is limited at this time, the clinical significance of this alteration remains unclear.

Labcorp Genetics (formerly Invitae), Labcorp
Classification: Uncertain significance for Charcot-Marie-Tooth disease type 4. Last evaluated: 2022-06-08. Review status: criteria provided, single submitter. Criteria: Invitae Variant Classification Sherloc (09022015). Collection method: clinical testing. Allele origin: germline.
Comment: This sequence change replaces asparagine, which is neutral and polar, with histidine, which is basic and polar, at codon 1654 of the SBF2 protein (p.Asn1654His). This variant is present in population databases (no rsID available, gnomAD 0.003%). This variant has not been reported in the literature in individuals affected with SBF2-related conditions. ClinVar contains an entry for this variant (Variation ID: 569320). Algorithms developed to predict the effect of missense changes on protein structure and function are either unavailable or do not agree on the potential impact of this missense change (SIFT: "Deleterious"; PolyPhen-2: "Benign"; Align-GVGD: "Class C0"). In summary, the available evidence is currently insufficient to determine the role of this variant in disease. Therefore, it has been classified as a Variant of Uncertain Significance.